The following is an entry in ClinVar:

NM_001199397.3(NEK1):c.593C>T (p.Thr198Ile)

Gene: NEK1 (NIMA related kinase 1; minus strand). Cytogenetic location: 4q33.
Variant type: single nucleotide variant.
Coding change: c.593C>T on transcript NM_001199397.3 (MANE Select); coding-DNA position 593, C replaced by T.
Protein change: p.Thr198Ile; replaces threonine 198 with isoleucine.
Molecular consequence: missense variant. On other transcripts: non-coding transcript variant (1).
Genome position (GRCh38, 1-based): chr4:169,587,572, G>A on the plus strand (C>T on the coding strand, the complement: NEK1 is on the minus strand). VCF-style: chr4-169587572-G-A. GRCh37 (hg19) VCF-style: chr4-170508723-G-A.
Other names: c.593C>T, p.Thr198Ile (NM_001199398.3, NM_001199399.3, NM_001199400.3 and 7 more transcripts); short protein forms T198I.
Identifiers: ClinVar variation 451971 (VCV000451971.5), dbSNP rs1554075300, ClinGen allele CA358740159.

ClinVar aggregate classification (germline): Conflicting classifications of pathogenicity. Review status: criteria provided, conflicting classifications (1 of 4 stars). 2 submissions from 2 submitters: Likely pathogenic (1); Uncertain significance (1). Last evaluated 2025-10-03.

Conditions:
Short-rib thoracic dysplasia 6 with or without polydactyly (SRTD6). Also called: Majewski Syndrome; POLYDACTYLY WITH NEONATAL CHONDRODYSTROPHY, TYPE II; SHORT RIB-POLYDACTYLY SYNDROME, TYPE IIA; SHORT-RIB THORACIC DYSPLASIA 6 WITH POLYDACTYLY; SHORT-RIB THORACIC DYSPLASIA 6 WITHOUT POLYDACTYLY. Identifiers: MedGen C0024507, MONDO:0009894, OMIM 263520.

Allele frequency attached by ClinVar (database versions not stated): gnomAD 0.00001; TOPMed 0.00001.

Submissions (2):

Labcorp Genetics (formerly Invitae), Labcorp
Classification: Uncertain significance for Short-rib thoracic dysplasia 6 with or without polydactyly. Last evaluated: 2025-10-03. Review status: criteria provided, single submitter. Criteria: Invitae Variant Classification Sherloc (09022015). Collection method: clinical testing. Allele origin: germline.
Comment: This sequence change replaces threonine, which is neutral and polar, with isoleucine, which is neutral and non-polar, at codon 198 of the NEK1 protein (p.Thr198Ile). This variant is not present in population databases (gnomAD no frequency). This variant has not been reported in the literature in individuals affected with NEK1-related conditions. ClinVar contains an entry for this variant (Variation ID: 451971). Invitae Evidence Modeling of protein sequence and biophysical properties (such as structural, functional, and spatial information, amino acid conservation, physicochemical variation, residue mobility, and thermodynamic stability) indicates that this missense variant is expected to disrupt NEK1 protein function with a positive predictive value of 95%. In summary, the available evidence is currently insufficient to determine the role of this variant in disease. Therefore, it has been classified as a Variant of Uncertain Significance.

GeneDx
Classification: Likely pathogenic. Last evaluated: 2025-08-27. Review status: criteria provided, single submitter. Criteria: GeneDx Variant Classification Process June 2021. Collection method: clinical testing. Allele origin: germline. Affected: yes.
Comment: Not observed at significant frequency in large population cohorts (gnomAD); In silico analysis supports that this missense variant has a deleterious effect on protein structure/function; Has not been previously published as pathogenic or benign to our knowledge